The following is an entry in ClinVar:

NM_007294.4(BRCA1):c.4388A>T (p.Tyr1463Phe)

Gene: BRCA1 (BRCA1 DNA repair associated; minus strand). Cytogenetic location: 17q21.31.
Variant type: single nucleotide variant.
Coding change: c.4388A>T on transcript NM_007294.4 (MANE Select); coding-DNA position 4388, A replaced by T.
Protein change: p.Tyr1463Phe; replaces tyrosine 1463 with phenylalanine.
Molecular consequence: missense variant. On other transcripts: non-coding transcript variant (1).
Genome position (GRCh38, 1-based): chr17:43,076,584, T>A on the plus strand (A>T on the coding strand, the complement: BRCA1 is on the minus strand). VCF-style: chr17-43076584-T-A. GRCh37 (hg19) VCF-style: chr17-41228601-T-A.
Other names: c.1076A>T, p.Tyr359Phe (NM_001407993.1, NM_001407990.1, NM_001407992.1 and 13 more transcripts); c.4379A>T, p.Tyr1460Phe (NM_001407644.1, NM_001407645.1); c.4373A>T, p.Tyr1458Phe (NM_001407647.1); c.4328A>T, p.Tyr1443Phe (NM_001407649.1); c.4331A>T, p.Tyr1444Phe (NM_001407648.1); c.4376A>T, p.Tyr1459Phe (NM_001407646.1); c.938A>T, p.Tyr313Phe (NM_001408452.1, NM_001408453.1, NM_001408454.1 and 3 more transcripts); c.935A>T, p.Tyr312Phe (NM_001408458.1, NM_001408459.1, NM_001408460.1 and 7 more transcripts); and 68 more; short protein forms Y1416F, Y1463F, Y1484F, Y359F, Y1166F, Y1334F, Y1351F, Y1374F.
Identifiers: ClinVar variation 920532 (VCV000920532.6), dbSNP rs2052739409, ClinGen allele CA10592759.

ClinVar aggregate classification (germline): Uncertain significance. Review status: criteria provided, multiple submitters, no conflicts (2 of 4 stars). 2 submissions from 2 submitters: Uncertain significance (2). Last evaluated 2023-07-31.

Conditions:
Hereditary breast ovarian cancer syndrome. Also called: BRCA1- and BRCA2-Associated Hereditary Breast and Ovarian Cancer; Hereditary breast and ovarian cancer syndrome; Hereditary breast and ovarian cancer; Hereditary breast and ovarian cancer syndrome (HBOC); Breast and ovarian cancer; Hereditary breast and/or ovarian cancer syndrome. Identifiers: Orphanet 145, MedGen C0677776, MeSH D061325, MONDO:0003582. Disease mechanism: loss of function.
Hereditary cancer-predisposing syndrome. Also called: Neoplastic Syndromes, Hereditary; Tumor predisposition; Hereditary Cancer Syndrome; Hereditary neoplastic syndrome. Identifiers: Orphanet 140162, MedGen C0027672, MeSH D009386, MONDO:0015356.

Submissions (2):

Labcorp Genetics (formerly Invitae), Labcorp
Classification: Uncertain significance for Hereditary breast ovarian cancer syndrome. Last evaluated: 2023-07-31. Review status: criteria provided, single submitter. Criteria: Invitae Variant Classification Sherloc (09022015). Collection method: clinical testing. Allele origin: germline.
Comment: ClinVar contains an entry for this variant (Variation ID: 920532). This variant has not been reported in the literature in individuals affected with BRCA1-related conditions. This sequence change replaces tyrosine, which is neutral and polar, with phenylalanine, which is neutral and non-polar, at codon 1463 of the BRCA1 protein (p.Tyr1463Phe). This variant is not present in population databases (gnomAD no frequency). In summary, the available evidence is currently insufficient to determine the role of this variant in disease. Therefore, it has been classified as a Variant of Uncertain Significance. Advanced modeling of protein sequence and biophysical properties (such as structural, functional, and spatial information, amino acid conservation, physicochemical variation, residue mobility, and thermodynamic stability) performed at Invitae indicates that this missense variant is not expected to disrupt BRCA1 protein function.

Color Diagnostics, LLC DBA Color Health
Classification: Uncertain significance for Hereditary cancer-predisposing syndrome. Last evaluated: 2019-05-30. Review status: criteria provided, single submitter. Criteria: ACMG Guidelines, 2015. Collection method: clinical testing. Allele origin: germline.